The following is an entry in ClinVar:

NM_020822.3(KCNT1):c.3385G>A (p.Ala1129Thr)

Gene: KCNT1 (potassium sodium-activated channel subfamily T member 1; plus strand). Cytogenetic location: 9q34.3.
Variant type: single nucleotide variant.
Coding change: c.3385G>A on transcript NM_020822.3 (MANE Select); coding-DNA position 3385, G replaced by A.
Protein change: p.Ala1129Thr; replaces alanine 1129 with threonine.
Molecular consequence: missense variant.
Genome position (GRCh38, 1-based): chr9:135,786,404, G>A. VCF-style: chr9-135786404-G-A. GRCh37 (hg19) VCF-style: chr9-138678250-G-A.
Other names: c.3250G>A, p.Ala1084Thr (NM_001272003.2); short protein forms A1129T, A1084T.
Identifiers: ClinVar variation 1035993 (VCV001035993.9), dbSNP rs1834052820, ClinGen allele CA375491919.

ClinVar aggregate classification (germline): Uncertain significance (1 of 4 stars; one submission).

Conditions:
Autosomal dominant nocturnal frontal lobe epilepsy 5. Also called: KCNT1-Related Epilepsy; CILIARY DYSKINESIA, PRIMARY, 28, WITHOUT SITUS INVERSUS; CILIARY DYSKINESIA, PRIMARY, 28, WITH SITUS INVERSUS; Epilepsy, nocturnal frontal lobe, 5. Identifiers: Orphanet 98784, MedGen C3554306, MONDO:0014002, OMIM 615005.
Developmental and epileptic encephalopathy, 14 (DEE14). Also called: Early infantile epileptic encephalopathy 14. Identifiers: Orphanet 293181, MedGen C3554195, MONDO:0013989, OMIM 614959.

Submission:

Labcorp Genetics (formerly Invitae), Labcorp
Classification: Uncertain significance for Autosomal dominant nocturnal frontal lobe epilepsy 5; Developmental and epileptic encephalopathy, 14. Last evaluated: 2023-12-06. Review status: criteria provided, single submitter. Criteria: Invitae Variant Classification Sherloc (09022015). Collection method: clinical testing. Allele origin: germline.
Comment: This sequence change replaces alanine, which is neutral and non-polar, with threonine, which is neutral and polar, at codon 1129 of the KCNT1 protein (p.Ala1129Thr). This variant is not present in population databases (gnomAD no frequency). This variant has not been reported in the literature in individuals affected with KCNT1-related conditions. ClinVar contains an entry for this variant (Variation ID: 1035993). Advanced modeling of protein sequence and biophysical properties (such as structural, functional, and spatial information, amino acid conservation, physicochemical variation, residue mobility, and thermodynamic stability) performed at Invitae indicates that this missense variant is not expected to disrupt KCNT1 protein function with a negative predictive value of 95%. In summary, the available evidence is currently insufficient to determine the role of this variant in disease. Therefore, it has been classified as a Variant of Uncertain Significance.